The following is an entry in ClinVar:

ClinVar aggregate classification (germline): Likely benign (1 of 4 stars; one submission).

Allele frequency attached by ClinVar (database versions not stated): gnomAD 0.00001; TOPMed 0.00001.

Submission:

GeneDx
Classification: Likely benign. Last evaluated: 2015-10-20. Review status: criteria provided, single submitter. Criteria: GeneDx Variant Classification (06012015). Collection method: clinical testing. Allele origin: germline. Affected: yes.
Comment: This variant is considered likely benign or benign based on one or more of the following criteria: it is a conservative change, it occurs at a poorly conserved position in the protein, it is predicted to be benign by multiple in silico algorithms, and/or has population frequency not consistent with disease.

NM_004572.3(PKP2):c.-49C>G

Genes: PKP2 (plakophilin 2; minus strand), LOC130007664 (ATAC-STARR-seq lymphoblastoid silent region 4340; plus strand). Cytogenetic location: 12p11.21.
Variant type: single nucleotide variant.
Coding change: c.-49C>G on transcript NM_004572.3; 49 bases upstream of the start codon, C replaced by G.
Genome position (GRCh38, 1-based): chr12:32,896,780, G>C on the plus strand (C>G on the coding strand, the complement: PKP2 is on the minus strand). VCF-style: chr12-32896780-G-C. GRCh37 (hg19) VCF-style: chr12-33049714-G-C.
Identifiers: ClinVar variation 380680 (VCV000380680.3), dbSNP rs908732877, ClinGen allele CA16607271.